The following is an entry in ClinVar:

NM_001330700.2(TOP2B):c.3499G>A (p.Asp1167Asn)

Gene: TOP2B (DNA topoisomerase II beta; minus strand). Cytogenetic location: 3p24.2.
Variant type: single nucleotide variant.
Coding change: c.3499G>A on transcript NM_001330700.2 (MANE Select); coding-DNA position 3499, G replaced by A.
Protein change: p.Asp1167Asn; replaces aspartic acid 1167 with asparagine.
Molecular consequence: missense variant.
Genome position (GRCh38, 1-based): chr3:25,615,439, C>T on the plus strand (G>A on the coding strand, the complement: TOP2B is on the minus strand). VCF-style: chr3-25615439-C-T. GRCh37 (hg19) VCF-style: chr3-25656930-C-T.
Other names: c.3484G>A, p.Asp1162Asn (NM_001068.3); short protein forms D1162N, D1167N.
Identifiers: ClinVar variation 3674533 (VCV003674533.2).

ClinVar aggregate classification (germline): Uncertain significance (1 of 4 stars; one submission).

Submission:

Labcorp Genetics (formerly Invitae), Labcorp
Classification: Uncertain significance. Last evaluated: 2024-09-09. Review status: criteria provided, single submitter. Criteria: Invitae Variant Classification Sherloc (09022015). Collection method: clinical testing. Allele origin: germline.
Comment: This sequence change replaces aspartic acid, which is acidic and polar, with asparagine, which is neutral and polar, at codon 1162 of the TOP2B protein (p.Asp1162Asn). This variant is not present in population databases (gnomAD no frequency). This variant has not been reported in the literature in individuals affected with TOP2B-related conditions. An algorithm developed to predict the effect of missense changes on protein structure and function (PolyPhen-2) suggests that this variant is likely to be tolerated. In summary, the available evidence is currently insufficient to determine the role of this variant in disease. Therefore, it has been classified as a Variant of Uncertain Significance.